The following is an entry in ClinVar:

ClinVar aggregate classification (germline): Uncertain significance (1 of 4 stars; one submission).

gnomAD v4.1: 2 of 1,209,197 alleles (0.00017%); highest among the groups gnomAD compares: Admixed American, 0.0044%; no homozygotes.

Submission:

Ambry Genetics
Classification: Uncertain significance. Last evaluated: 2026-02-25. Review status: criteria provided, single submitter. Criteria: Ambry Variant Classification Scheme 2023. Collection method: clinical testing. Allele origin: germline.
Comment: The c.2504A>G (p.Y835C) alteration is located in exon 17 (coding exon 17) of the INTS6L gene. This alteration results from a A to G substitution at nucleotide position 2504, causing the tyrosine (Y) at amino acid position 835 to be replaced by a cysteine (C). Based on data from gnomAD, the G allele has an overall frequency of 0.001% (2/180399) total alleles studied. The highest observed frequency was 0.008% (2/26738) of Latino alleles. Based on insufficient or conflicting evidence, the clinical significance of this alteration remains unclear.

NM_001351601.3(INTS6L):c.2615A>G (p.Tyr872Cys)

Gene: INTS6L (integrator complex subunit 6 like; plus strand). Cytogenetic location: Xq26.3.
Variant type: single nucleotide variant.
Coding change: c.2615A>G on transcript NM_001351601.3 (MANE Select); coding-DNA position 2615, A replaced by G.
Protein change: p.Tyr872Cys; replaces tyrosine 872 with cysteine.
Molecular consequence: missense variant. On other transcripts: non-coding transcript variant (1).
Genome position (GRCh38, 1-based): chrX:135,581,554, A>G. VCF-style: chrX-135581554-A-G. GRCh37 (hg19) VCF-style: chrX-134715479-A-G.
Other names: c.2504A>G, p.Tyr835Cys (NM_001351603.3, NM_182540.7); c.2372A>G, p.Tyr791Cys (NM_001351604.3, NM_001351605.3); c.1778A>G, p.Tyr593Cys (NM_001351606.3); short protein forms Y835C, Y791C, Y872C, Y593C.
Identifiers: ClinVar variation 4840490 (VCV004840490.1).